The following is an entry in ClinVar:

NM_001136157.2(OTUD5):c.1616C>T (p.Ser539Leu)

Gene: OTUD5 (OTU deubiquitinase 5; minus strand). Cytogenetic location: Xp11.23.
Variant type: single nucleotide variant.
Coding change: c.1616C>T on transcript NM_001136157.2 (MANE Select); coding-DNA position 1616, C replaced by T.
Protein change: p.Ser539Leu; replaces serine 539 with leucine.
Molecular consequence: missense variant.
Genome position (GRCh38, 1-based): chrX:48,923,259, G>A on the plus strand (C>T on the coding strand, the complement: OTUD5 is on the minus strand). VCF-style: chrX-48923259-G-A. GRCh37 (hg19) VCF-style: chrX-48780536-G-A.
Other names: c.1616C>T, p.Ser539Leu (NM_001136158.2); c.965C>T, p.Ser322Leu (NM_001136159.2); c.1631C>T, p.Ser544Leu (NM_017602.4); short protein forms S322L, S539L, S544L.
Identifiers: ClinVar variation 3603283 (VCV003603283.2).

ClinVar aggregate classification (germline): Uncertain significance. Review status: criteria provided, multiple submitters, no conflicts (2 of 4 stars). 2 submissions from 2 submitters: Uncertain significance (2). Last evaluated 2022-07-27.

Conditions:
Multiple congenital anomalies-neurodevelopmental syndrome, X-linked. Also called: LINKED SYNDROME. Identifiers: MedGen C5542341, MONDO:0025351, OMIM 301056.

Submissions (2):

Blueprint Genetics
Classification: Uncertain significance. Last evaluated: 2022-07-27. Review status: criteria provided, single submitter. Criteria: ACMG Guidelines, 2015. Collection method: clinical testing. Allele origin: germline.

Neuberg Centre For Genomic Medicine, NCGM
Classification: Uncertain significance for Multiple congenital anomalies-neurodevelopmental syndrome, X-linked. Review status: criteria provided, single submitter. Criteria: ACMG Guidelines, 2015. Collection method: clinical testing. Allele origin: germline. Inheritance: X-linked recessive inheritance. Affected: yes.
Comment: The observed missense c.1616C>T (p.Ser539Leu) variant in OTUD5 gene has not been reported previously as a pathogenic variant nor as a benign variant, to our knowledge. The p.Ser539Leu variant is absent in gnomAD Exomes. This variant has not been submitted to the ClinVar database. Multiple lines of computational evidence (Polyphen - Probably damaging, SIFT – Damaging and Mutation Taster - Disease causing) predict a damaging effect on protein structure and function for this variant. The reference amino acid at this position on OTUD5 gene is predicted as conserved by GERP++ and PhyloP across 100 vertebrates. The amino acid Ser at position 539 is changed to a Leu changing protein sequence and it might alter its composition and physico-chemical properties. For these reasons, this variant has been classified as Variant of Uncertain Significance (VUS).